The following is an entry in ClinVar:

ClinVar aggregate classification (germline): Pathogenic. Review status: criteria provided, multiple submitters, no conflicts (2 of 4 stars). 2 submissions from 2 submitters: Pathogenic (2). Last evaluated 2024-01-09.

Conditions:
Hereditary nonpolyposis colorectal neoplasms. Identifiers: MedGen C0009405, MeSH D003123.
Hereditary cancer-predisposing syndrome. Also called: Neoplastic Syndromes, Hereditary; Tumor predisposition; Hereditary Cancer Syndrome; Hereditary neoplastic syndrome. Identifiers: Orphanet 140162, MedGen C0027672, MeSH D009386, MONDO:0015356.

Submissions (2):

Labcorp Genetics (formerly Invitae), Labcorp
Classification: Pathogenic for Hereditary nonpolyposis colorectal neoplasms. Last evaluated: 2024-01-09. Review status: criteria provided, single submitter. Criteria: Invitae Variant Classification Sherloc (09022015). Collection method: clinical testing. Allele origin: germline.
Comment: This sequence change creates a premature translational stop signal (p.Asp936Leufs*10) in the MSH6 gene. It is expected to result in an absent or disrupted protein product. Loss-of-function variants in MSH6 are known to be pathogenic (PMID: 18269114, 24362816). This variant is not present in population databases (gnomAD no frequency). This variant has not been reported in the literature in individuals affected with MSH6-related conditions. ClinVar contains an entry for this variant (Variation ID: 231487). For these reasons, this variant has been classified as Pathogenic.

Ambry Genetics
Classification: Pathogenic for Hereditary cancer-predisposing syndrome. Last evaluated: 2015-04-17. Review status: criteria provided, single submitter. Criteria: Ambry Variant Classification Scheme 2023. Collection method: clinical testing. Allele origin: germline.
Comment: The c.2805_2806insTT pathogenic mutation, located in coding exon 4 of the MSH6 gene, results from an insertion of two nucleotides at position 2805, causing a translational frameshift with a predicted alternate stop codon. Since frameshifts are typically deleterious in nature, this alteration is interpreted as a disease-causing mutation (ACMG Recommendations for Standards for Interpretation and Reporting of Sequence Variations. Revision 2007. Genet Med. 2008;10:294).

Literature cited by the submitters: PubMed 18269114 (cited by Labcorp Genetics (formerly Invitae), Labcorp); PubMed 24362816 (cited by Labcorp Genetics (formerly Invitae), Labcorp).

NM_000179.3(MSH6):c.2805_2806insTT (p.Asp936fs)

Gene: MSH6 (mutS homolog 6; plus strand). Cytogenetic location: 2p16.3.
Variant type: Insertion.
Coding change: c.2805_2806insTT on transcript NM_000179.3 (MANE Select); coding-DNA positions 2805 to 2806, TT inserted.
Protein change: p.Asp936fs; shifts the reading frame from aspartic acid 936.
Molecular consequence: frameshift variant.
Genome position: GRCh38 VCF-style: chr2-47800787-C-CTT. GRCh37 (hg19) VCF-style: chr2-48027926-C-CTT.
Other names: c.2415_2416insTT, p.Asp806fs (NM_001281492.2); c.1899_1900insTT, p.Asp634fs (NM_001281493.2, NM_001281494.2); short protein forms D806fs, D936fs, D634fs.
Identifiers: ClinVar variation 231487 (VCV000231487.10), dbSNP rs876659189, ClinGen allele CA10578118.
Genomic context (GRCh38, chr2:47,800,787, plus strand): 5'-CCTTTGACCATGAAAAGGCTCGAAAGACTGGACTTATTACTCCCAAAGCAGGCTTTGACT[C>CTT]TGATTATGACCAAGCTCTTGCTGACATAAGAGAAAATGAACAGAGCCTCCTGGAATACCT-3'